The following is an entry in ClinVar:

ClinVar aggregate classification (germline): Uncertain significance (1 of 4 stars; one submission).

Submission:

Labcorp Genetics (formerly Invitae), Labcorp
Classification: Uncertain significance. Last evaluated: 2024-11-11. Review status: criteria provided, single submitter. Criteria: Invitae Variant Classification Sherloc (09022015). Collection method: clinical testing. Allele origin: germline.
Comment: This sequence change falls in intron 9 of the SLC7A9 gene. It does not directly change the encoded amino acid sequence of the SLC7A9 protein. This variant is not present in population databases (gnomAD no frequency). This variant has been observed in individual(s) with clinical features of autosomal dominant cystinuria (internal data). Algorithms developed to predict the effect of sequence changes on RNA splicing suggest that this variant may disrupt the consensus splice site. In summary, the available evidence is currently insufficient to determine the role of this variant in disease. Therefore, it has been classified as a Variant of Uncertain Significance.

NM_014270.5(SLC7A9):c.978-12_978-10del

Gene: SLC7A9 (solute carrier family 7 member 9; minus strand). Cytogenetic location: 19q13.11.
Variant type: Deletion.
Coding change: c.978-12_978-10del on transcript NM_014270.5 (MANE Select); 12 bases into the intron before coding-DNA position 978 through 10 bases into the intron before coding-DNA position 978, 3 bases deleted (GTT; older notation c.978-12_978-10delGTT).
Molecular consequence: intron variant.
Genome position (GRCh38, 1-based): chr19:32,843,961-32,843,963, AAC deleted on the plus strand (GTT on the coding strand, the reverse complement: SLC7A9 is on the minus strand). VCF-style (leftmost placement, unchanged base first): chr19-32843960-TAAC-T. GRCh37 (hg19) VCF-style: chr19-33334866-TAAC-T.
Other names: c.978-12_978-10del (NM_001126335.2, NM_001243036.2).
Identifiers: ClinVar variation 3694971 (VCV003694971.2).
Genomic context (GRCh38, chr19:32,843,960, plus strand): 5'-GTAAGAAAGCACTTTGAGCATGTGACCCTCCCGGCCCGCCACGTAAATGAGTCTGGAAAA[TAAC>T]GACACGGGAGTCCGCTGACCAGAGTGCAGACCATCTGTCCAGGGCCACTGAGGACTTGTG-3'